The following is an entry in ClinVar:

ClinVar aggregate classification (germline): Likely pathogenic (1 of 4 stars; one submission).

Conditions:
X-linked intellectual disability Cabezas type (MRXSC). Also called: CABEZAS SYNDROME; MENTAL RETARDATION, X-LINKED, SYNDROMIC 15; Intellectual developmental disorder, X-linked syndromic, Cabezas type. Identifiers: Orphanet 85289, Orphanet 85293, MedGen C1845861, MONDO:0010306, OMIM 300354.

Submission:

MGZ Medical Genetics Center
Classification: Likely pathogenic for X-linked intellectual disability Cabezas type. Last evaluated: 2022-08-04. Review status: criteria provided, single submitter. Criteria: ACMG Guidelines, 2015. Collection method: clinical testing. Allele origin: germline. Affected: yes. Observed: 1 variant allele.
Comment: ACMG criteria applied: PVS1, PM2_SUP

NM_001079872.2(CUL4B):c.1423del (p.Gln475fs)

Gene: CUL4B (cullin 4B; minus strand). Cytogenetic location: Xq24.
Variant type: Deletion.
Coding change: c.1423del on transcript NM_001079872.2 (MANE Select); coding-DNA position 1423, one base deleted (C; older notation c.1423delC).
Protein change: p.Gln475fs; shifts the reading frame from glutamine 475.
Molecular consequence: frameshift variant.
Genome position (GRCh38, 1-based): chrX:120,541,622, G deleted on the plus strand (C on the coding strand, the reverse complement: CUL4B is on the minus strand). VCF-style (leftmost placement, unchanged base first): chrX-120541621-TG-T. GRCh37 (hg19) VCF-style: chrX-119675476-TG-T.
Other names: c.1438del, p.Gln480fs (NM_001330624.2); c.889del, p.Gln297fs (NM_001369145.1); c.1477del, p.Gln493fs (NM_003588.4); short protein forms Q297fs, Q475fs, Q480fs, Q493fs.
Identifiers: ClinVar variation 1709716 (VCV001709716.2), dbSNP rs2521106352, ClinGen allele CA2580100272.